The following is an entry in ClinVar:

NM_001399.5(EDA):c.479G>A (p.Ser160Asn)

Gene: EDA (ectodysplasin A; plus strand). Cytogenetic location: Xq13.1.
Variant type: single nucleotide variant.
Coding change: c.479G>A on transcript NM_001399.5 (MANE Select); coding-DNA position 479, G replaced by A.
Protein change: p.Ser160Asn; replaces serine 160 with asparagine.
Molecular consequence: missense variant.
Genome position (GRCh38, 1-based): chrX:69,957,109, G>A. VCF-style: chrX-69957109-G-A. GRCh37 (hg19) VCF-style: chrX-69176959-G-A.
Other names: c.479G>A, p.Ser160Asn (NM_001005609.2, NM_001005612.3); short protein forms S160N.
Identifiers: ClinVar variation 458657 (VCV000458657.9), dbSNP rs1556039088, ClinGen allele CA413447991.

ClinVar aggregate classification (germline): Pathogenic/Likely pathogenic. Review status: criteria provided, multiple submitters, no conflicts (2 of 4 stars). 2 submissions from 2 submitters: Pathogenic (1); Likely pathogenic (1). Last evaluated 2021-10-13.

Conditions:
EDA-related disorder. Also called: EDA-related condition; EDA-related disorders.
Hypohidrotic X-linked ectodermal dysplasia (XHED). Also called: Ectodermal Dysplasia 1, Anhidrotic; ECTODERMAL DYSPLASIA 1, HYPOHIDROTIC, X-LINKED; Anhidrotic ectodermal dysplasia X-linked; Christ Siemens Touraine syndrome; ECTODERMAL DYSPLASIA 1, HYPOHIDROTIC/HAIR/TOOTH TYPE, X-LINKED; Christ-Siemans-Touraine syndrome. Identifiers: Orphanet 181, Orphanet 238468, MedGen C0162359, MONDO:0010585, OMIM 305100.

Submissions (2):

Blueprint Genetics
Classification: Likely pathogenic for EDA-related disorders. Last evaluated: 2021-10-13. Review status: criteria provided, single submitter. Criteria: ACMG Guidelines, 2015. Collection method: clinical testing. Allele origin: germline. Affected: yes. Observed: 2 variant alleles.

Labcorp Genetics (formerly Invitae), Labcorp
Classification: Pathogenic for Hypohidrotic X-linked ectodermal dysplasia. Last evaluated: 2021-03-09. Review status: criteria provided, single submitter. Criteria: Invitae Variant Classification Sherloc (09022015). Collection method: clinical testing. Allele origin: germline.
Comment: This sequence change replaces serine with asparagine at codon 160 of the EDA protein (p.Ser160Asn). The serine residue is moderately conserved and there is a small physicochemical difference between serine and asparagine. This variant is not present in population databases (ExAC no frequency). This variant has been observed in individual(s) with clinical features of hypohidrotic ectodermal dysplasia (Invitae). ClinVar contains an entry for this variant (Variation ID: 458657). Advanced modeling of protein sequence and biophysical properties (such as structural, functional, and spatial information, amino acid conservation, physicochemical variation, residue mobility, and thermodynamic stability) performed at Invitae indicates that this missense variant is expected to disrupt EDA protein function. For these reasons, this variant has been classified as Pathogenic.